The following is an entry in ClinVar:

ClinVar aggregate classification (germline): Uncertain significance. Review status: criteria provided, multiple submitters, no conflicts (2 of 4 stars). 2 submissions from 2 submitters: Uncertain significance (2). Last evaluated 2023-02-28.

Conditions:
Inborn genetic diseases. Identifiers: MedGen C0950123, MeSH D030342.

Allele frequency attached by ClinVar (database versions not stated): gnomAD 0.00001; gnomAD exomes 0.00001; TOPMed 0.00003; 1000 Genomes Project 30x 0.00031.
gnomAD v4.1: 23 of 1,589,134 alleles (0.0014%); highest among the groups gnomAD compares: South Asian, 0.0093%; no homozygotes.

Submissions (2):

Ambry Genetics
Classification: Uncertain significance for Inborn genetic diseases. Last evaluated: 2023-02-28. Review status: criteria provided, single submitter. Criteria: Ambry Variant Classification Scheme 2023. Collection method: clinical testing. Allele origin: germline.

Labcorp Genetics (formerly Invitae), Labcorp
Classification: Uncertain significance. Last evaluated: 2022-08-15. Review status: criteria provided, single submitter. Criteria: Invitae Variant Classification Sherloc (09022015). Collection method: clinical testing. Allele origin: germline.
Comment: This sequence change replaces arginine, which is basic and polar, with tryptophan, which is neutral and slightly polar, at codon 748 of the MYO18B protein (p.Arg748Trp). The frequency data for this variant in the population databases is considered unreliable, as metrics indicate poor data quality at this position in the gnomAD database. This variant has not been reported in the literature in individuals affected with MYO18B-related conditions. Algorithms developed to predict the effect of missense changes on protein structure and function output the following: SIFT: "Not Available"; PolyPhen-2: "Benign"; Align-GVGD: "Not Available". The tryptophan amino acid residue is found in multiple mammalian species, which suggests that this missense change does not adversely affect protein function. In summary, the available evidence is currently insufficient to determine the role of this variant in disease. Therefore, it has been classified as a Variant of Uncertain Significance.

NM_032608.7(MYO18B):c.2242C>T (p.Arg748Trp)

Gene: MYO18B (myosin XVIIIB; plus strand). Cytogenetic location: 22q12.1.
Variant type: single nucleotide variant.
Coding change: c.2242C>T on transcript NM_032608.7 (MANE Select); coding-DNA position 2242, C replaced by T.
Protein change: p.Arg748Trp; replaces arginine 748 with tryptophan.
Molecular consequence: missense variant.
Genome position (GRCh38, 1-based): chr22:25,781,764, C>T. VCF-style: chr22-25781764-C-T. GRCh37 (hg19) VCF-style: chr22-26177731-C-T.
Other names: c.2242C>T, p.Arg748Trp (NM_001318245.2); c.2242C>T (NM_032608.5); short protein forms R748W.
Identifiers: ClinVar variation 2197780 (VCV002197780.3), dbSNP rs772128523, ClinGen allele CA10160107.